The following is an entry in ClinVar:

NM_001292034.3(TAB2):c.1077C>T (p.Thr359=)

Genes: TAB2 (TGF-beta activated kinase 1 (MAP3K7) binding protein 2; plus strand), LOC126859827 (BRD4-independent group 4 enhancer GRCh37_chr6:149699707-149700906; plus strand). Cytogenetic location: 6q25.1.
Variant type: single nucleotide variant.
Coding change: c.1077C>T on transcript NM_001292034.3 (MANE Select); coding-DNA position 1077, C replaced by T.
Protein change: p.Thr359=; no amino-acid change (threonine 359 retained).
Molecular consequence: synonymous variant.
Genome position (GRCh38, 1-based): chr6:149,378,992, C>T. VCF-style: chr6-149378992-C-T. GRCh37 (hg19) VCF-style: chr6-149700128-C-T.
Other names: c.1077C>T (NM_015093.5); c.981C>T, p.Thr327= (NM_001292035.3); c.1077C>T, p.Thr359= (NM_001369506.1, NM_015093.6).
Identifiers: ClinVar variation 1655167 (VCV001655167.11), dbSNP rs138731123, ClinGen allele CA4041484.
Genomic context (GRCh38, chr6:149,378,992, plus strand): 5'-AAAACTGCGTTCTTCTGGACCTCGAACCTCCAGCACTTCCTCTTCAGTCAATAGCCAGAC[C>T]TTAAACAGAAATCAGCCCACTGTTTACATAGCTGCCAGCCCCCCAAATACGGATGAGCTG-3'
Protein context (NP_001278963.1, residues 349-369): SSTSSSVNSQ[Thr359=]LNRNQPTVYI

ClinVar aggregate classification (germline): Benign/Likely benign. Review status: criteria provided, multiple submitters, no conflicts (2 of 4 stars). 3 submissions from 3 submitters: Benign (1); Likely benign (1). 1 of the submissions does not count toward it. Last evaluated 2026-01-14.

Conditions:
TAB2-related disorder.

Allele frequency attached by ClinVar (database versions not stated): ExAC 0.00019; gnomAD 0.00050 and 0.00055; TOPMed 0.00052; ESP Exome Variant Server 0.00054; 1000 Genomes Project 30x 0.00062; 1000 Genomes Project 0.00080.
gnomAD v4.1: 149 of 1,614,212 alleles (0.0092%); highest among the groups gnomAD compares: African/African-American, 0.19%; no homozygotes.

Submissions (3):

Labcorp Genetics (formerly Invitae), Labcorp
Classification: Benign. Last evaluated: 2026-01-14. Review status: criteria provided, single submitter. Criteria: Invitae Variant Classification Sherloc (09022015). Collection method: clinical testing. Allele origin: germline.

Blueprint Genetics
Classification: Likely benign. Last evaluated: 2023-11-20. Review status: criteria provided, single submitter. Criteria: ACMG Guidelines, 2015. Collection method: clinical testing. Allele origin: germline.

PreventionGenetics, part of Exact Sciences
Classification: Likely benign for TAB2-related condition. Last evaluated: 2019-08-09. Review status: no assertion criteria provided. Collection method: clinical testing. Allele origin: germline. Not counted in ClinVar's aggregate classification.
Comment: This variant is classified as likely benign based on ACMG/AMP sequence variant interpretation guidelines (Richards et al. 2015 PMID: 25741868, with internal and published modifications).